The following is an entry in ClinVar:

NM_015681.6(B9D1):c.404+5G>C

Gene: B9D1 (B9 domain containing 1; minus strand). Cytogenetic location: 17p11.2.
Variant type: single nucleotide variant.
Coding change: c.404+5G>C on transcript NM_015681.6 (MANE Select); 5 bases into the intron after coding-DNA position 404, G replaced by C.
Molecular consequence: intron variant.
Genome position (GRCh38, 1-based): chr17:19,347,264, C>G on the plus strand (G>C on the coding strand, the complement: B9D1 is on the minus strand). VCF-style: chr17-19347264-C-G. GRCh37 (hg19) VCF-style: chr17-19250577-C-G.
Other names: c.44+5G>C (NM_001368769.2); c.404+5G>C (NM_001321219.2, NM_001321218.2, NM_001321217.2 and 4 more transcripts).
Identifiers: ClinVar variation 1518893 (VCV001518893.6), dbSNP rs767244331, ClinGen allele CA8440233.

ClinVar aggregate classification (germline): Uncertain significance. Review status: criteria provided, multiple submitters, no conflicts (2 of 4 stars). 2 submissions from 2 submitters: Uncertain significance (2). Last evaluated 2026-03-05.

Conditions:
Joubert syndrome. Also called: JOUBERT-BOLTSHAUSER SYNDROME; Familial aplasia of the vermis. Identifiers: Orphanet 475, MedGen C5979921, MONDO:0018772.
Meckel-Gruber syndrome. Also called: DYSENCEPHALIA SPLANCHNOCYSTICA; GRUBER SYNDROME; Dysencephalia splachnocystica. Identifiers: Orphanet 564, MedGen C0265215, MONDO:0018921.

Allele frequency attached by ClinVar (database versions not stated): ExAC 0.00001; gnomAD exomes 0.00001.
gnomAD v4.1: 9 of 1,614,230 alleles (0.00056%); highest among the groups gnomAD compares: South Asian, 0.0099%; no homozygotes.

Submissions (2):

Women's Health and Genetics/Laboratory Corporation of America, LabCorp
Classification: Uncertain significance. Last evaluated: 2026-03-05. Review status: criteria provided, single submitter. Criteria: LabCorp Variant Classification Summary - May 2015. Collection method: clinical testing. Allele origin: germline.

Labcorp Genetics (formerly Invitae), Labcorp
Classification: Uncertain significance for Joubert syndrome; Meckel-Gruber syndrome. Last evaluated: 2021-11-15. Review status: criteria provided, single submitter. Criteria: Invitae Variant Classification Sherloc (09022015). Collection method: clinical testing. Allele origin: germline.
Comment: In summary, the available evidence is currently insufficient to determine the role of this variant in disease. Therefore, it has been classified as a Variant of Uncertain Significance. Variants that disrupt the consensus splice site are a relatively common cause of aberrant splicing (PMID: 17576681, 9536098). Algorithms developed to predict the effect of sequence changes on RNA splicing suggest that this variant may disrupt the consensus splice site. This variant has not been reported in the literature in individuals affected with B9D1-related conditions. This variant is present in population databases (rs767244331, gnomAD 0.006%). This sequence change falls in intron 5 of the B9D1 gene. It does not directly change the encoded amino acid sequence of the B9D1 protein. It affects a nucleotide within the consensus splice site.

Literature cited by the submitters: PubMed 17576681 (cited by Labcorp Genetics (formerly Invitae), Labcorp); PubMed 9536098 (cited by Labcorp Genetics (formerly Invitae), Labcorp).